The following is an entry in ClinVar:

ClinVar aggregate classification (germline): Uncertain significance. Review status: criteria provided, multiple submitters, no conflicts (2 of 4 stars). 2 submissions from 2 submitters: Uncertain significance (2). Last evaluated 2024-04-26.

Conditions:
Inborn genetic diseases. Identifiers: MedGen C0950123, MeSH D030342.

Allele frequency attached by ClinVar (database versions not stated): gnomAD exomes 0.00005 and 0.00007; ExAC 0.00009; TOPMed 0.00012; gnomAD 0.00013 and 0.00014; 1000 Genomes Project 0.00020; 1000 Genomes Project 30x 0.00031; ESP Exome Variant Server 0.00040.
gnomAD v4.1: 94 of 1,610,876 alleles (0.0058%); highest among the groups gnomAD compares: African/African-American, 0.019%; no homozygotes.

Submissions (2):

Ambry Genetics
Classification: Uncertain significance for Inborn genetic diseases. Last evaluated: 2024-04-26. Review status: criteria provided, single submitter. Criteria: Ambry Variant Classification Scheme 2023. Collection method: clinical testing. Allele origin: germline.

Labcorp Genetics (formerly Invitae), Labcorp
Classification: Uncertain significance. Last evaluated: 2022-02-24. Review status: criteria provided, single submitter. Criteria: Invitae Variant Classification Sherloc (09022015). Collection method: clinical testing. Allele origin: germline.
Comment: This sequence change replaces asparagine, which is neutral and polar, with serine, which is neutral and polar, at codon 986 of the LRRK1 protein (p.Asn986Ser). This variant is present in population databases (rs199709127, gnomAD 0.02%). This variant has not been reported in the literature in individuals affected with LRRK1-related conditions. Algorithms developed to predict the effect of missense changes on protein structure and function (SIFT, PolyPhen-2, Align-GVGD) all suggest that this variant is likely to be tolerated. Algorithms developed to predict the effect of sequence changes on RNA splicing suggest that this variant may create or strengthen a splice site. In summary, the available evidence is currently insufficient to determine the role of this variant in disease. Therefore, it has been classified as a Variant of Uncertain Significance.

NM_024652.6(LRRK1):c.2957A>G (p.Asn986Ser)

Gene: LRRK1 (leucine rich repeat kinase 1; plus strand). Cytogenetic location: 15q26.3.
Variant type: single nucleotide variant.
Coding change: c.2957A>G on transcript NM_024652.6 (MANE Select); coding-DNA position 2957, A replaced by G.
Protein change: p.Asn986Ser; replaces asparagine 986 with serine.
Molecular consequence: missense variant.
Genome position (GRCh38, 1-based): chr15:101,029,226, A>G. VCF-style: chr15-101029226-A-G. GRCh37 (hg19) VCF-style: chr15-101569431-A-G.
Other names: c.2957A>G (NM_024652.3); short protein forms N986S.
Identifiers: ClinVar variation 1347211 (VCV001347211.4), dbSNP rs199709127, ClinGen allele CA7761384.